The following is an entry in ClinVar:

NM_000093.5(COL5A1):c.658G>A (p.Asp220Asn)

Gene: COL5A1 (collagen type V alpha 1 chain; plus strand). Cytogenetic location: 9q34.3.
Variant type: single nucleotide variant.
Coding change: c.658G>A on transcript NM_000093.5 (MANE Select); coding-DNA position 658, G replaced by A.
Protein change: p.Asp220Asn; replaces aspartic acid 220 with asparagine.
Molecular consequence: missense variant.
Genome position (GRCh38, 1-based): chr9:134,727,269, G>A. VCF-style: chr9-134727269-G-A. GRCh37 (hg19) VCF-style: chr9-137619115-G-A.
Other names: c.658G>A, p.Asp220Asn (NM_001278074.1); short protein forms D220N.
Identifiers: ClinVar variation 2502129 (VCV002502129.1), dbSNP rs2490487021, ClinGen allele CA375446182.
Genomic context (GRCh38, chr9:134,727,269, plus strand): 5'-GGTCCCCATGCGAGTGCTCTGTGAGCTGCTTTTTCATGAGCGTCTCTTCTTTTCCAGGGT[G>A]ACATCCAGCAGCTGCTCTTTGTCTCGGACCACCGGGCAGCTTATGATTACTGTGAGCACT-3'
Protein context (NP_000084.3, residues 210-230): RILDEEVFEG[Asp220Asn]IQQLLFVSDH

ClinVar aggregate classification (germline): Uncertain significance (1 of 4 stars; one submission).

Submission:

GeneDx
Classification: Uncertain significance. Last evaluated: 2023-05-09. Review status: criteria provided, single submitter. Criteria: GeneDx Variant Classification Process June 2021. Collection method: clinical testing. Allele origin: germline. Affected: yes.
Comment: Not observed at significant frequency in large population cohorts (gnomAD); In silico analysis supports that this missense variant has a deleterious effect on protein structure/function; Has not been previously published as pathogenic or benign to our knowledge; Not located in the triple helical region, where the majority of pathogenic missense variants occur (Symoens et al., 2012; HGMD); This variant is associated with the following publications: (PMID: 22696272)